The following is an entry in ClinVar:

NM_003690.5(PRKRA):c.861C>A (p.Ser287=)

Genes: CHROMR (cholesterol induced regulator of metabolism RNA; plus strand), PRKRA (protein activator of interferon induced protein kinase EIF2AK2; minus strand). Cytogenetic location: 2q31.2.
Variant type: single nucleotide variant.
Coding change: c.861C>A on transcript NM_003690.5 (MANE Select); coding-DNA position 861, C replaced by A.
Protein change: p.Ser287=; no amino-acid change (serine 287 retained).
Molecular consequence: synonymous variant.
Genome position (GRCh38, 1-based): chr2:178,432,178, G>T on the plus strand (C>A on the coding strand, the complement: PRKRA is on the minus strand). VCF-style: chr2-178432178-G-T. GRCh37 (hg19) VCF-style: chr2-179296905-G-T.
Other names: c.828C>A, p.Ser276= (NM_001139517.2); c.786C>A, p.Ser262= (NM_001139518.2); c.522C>A, p.Ser174= (NM_001316362.2).
Identifiers: ClinVar variation 2124843 (VCV002124843.4), dbSNP rs116833881, ClinGen allele CA430089848.
Genomic context (GRCh38, chr2:178,432,178, plus strand): 5'-CTTTAAATACTGCAAAGCATTGTGAGCTGCATCACTTTGTGCATTGCCACAGGAGATACC[G>T]GAGCCATGACAGACTGTGATGGGGCTGGTGGACAGTTCAGCAAGACATTGATATTGTCCA-3'
Protein context (NP_003681.1, residues 277-297): STSPITVCHG[Ser287=]GISCGNAQSD

ClinVar aggregate classification (germline): Uncertain significance (1 of 4 stars; one submission).

Conditions:
Dystonia 16 (DYT16). Also called: DYT-PRKRA. Identifiers: Orphanet 210571, MedGen C2677567, MONDO:0012789, OMIM 612067.

Allele frequency attached by ClinVar (database versions not stated): TOPMed below 0.00001.

Submission:

Labcorp Genetics (formerly Invitae), Labcorp
Classification: Uncertain significance for Dystonia 16. Last evaluated: 2023-09-11. Review status: criteria provided, single submitter. Criteria: Invitae Variant Classification Sherloc (09022015). Collection method: clinical testing. Allele origin: germline.
Comment: In summary, the available evidence is currently insufficient to determine the role of this variant in disease. Therefore, it has been classified as a Variant of Uncertain Significance. Algorithms developed to predict the effect of sequence changes on RNA splicing suggest that this variant may disrupt the consensus splice site. ClinVar contains an entry for this variant (Variation ID: 2124843). This variant has not been reported in the literature in individuals affected with PRKRA-related conditions. This variant is not present in population databases (gnomAD no frequency). This sequence change affects codon 287 of the PRKRA mRNA. It is a 'silent' change, meaning that it does not change the encoded amino acid sequence of the PRKRA protein.